The following is an entry in ClinVar:

ClinVar aggregate classification (germline): Benign (1 of 4 stars; one submission).

Allele frequency attached by ClinVar (database versions not stated): 1000 Genomes Project 30x 0.00109; 1000 Genomes Project 0.00120; ESP Exome Variant Server 0.00358.
gnomAD v4.1: 5,586 of 1,586,356 alleles (0.35%); highest among the groups gnomAD compares: Non-Finnish European, 0.43%; 583 homozygotes.

Submission:

CeGaT Center for Human Genetics Tuebingen
Classification: Benign. Last evaluated: 2025-09-01. Review status: criteria provided, single submitter. Criteria: CeGaT Center For Human Genetics Tuebingen Variant Classification Criteria Version 2. Collection method: clinical testing. Allele origin: germline. Affected: yes. Observed: 5 variant alleles.
Comment: AHNAK2: BP4, BS1, BS2

NM_138420.4(AHNAK2):c.6036T>A (p.Asp2012Glu)

Gene: AHNAK2 (AHNAK nucleoprotein 2; minus strand). Cytogenetic location: 14q32.33.
Variant type: single nucleotide variant.
Coding change: c.6036T>A on transcript NM_138420.4 (MANE Select); coding-DNA position 6036, T replaced by A.
Protein change: p.Asp2012Glu; replaces aspartic acid 2012 with glutamic acid.
Molecular consequence: missense variant.
Genome position (GRCh38, 1-based): chr14:104,949,415, A>T on the plus strand (T>A on the coding strand, the complement: AHNAK2 is on the minus strand). VCF-style: chr14-104949415-A-T. GRCh37 (hg19) VCF-style: chr14-105415752-A-T.
Other names: c.5736T>A, p.Asp1912Glu (NM_001350929.2); short protein forms D1912E, D2012E.
Identifiers: ClinVar variation 2644763 (VCV002644763.24), dbSNP rs200936018, ClinGen allele CA7381383.